The following is an entry in ClinVar:

NM_004715.5(CTDP1):c.708C>T (p.Ile236=)

Gene: CTDP1 (CTD phosphatase 1; plus strand). Cytogenetic location: 18q23.
Variant type: single nucleotide variant.
Coding change: c.708C>T on transcript NM_004715.5 (MANE Select); coding-DNA position 708, C replaced by T.
Protein change: p.Ile236=; no amino-acid change (isoleucine 236 retained).
Molecular consequence: synonymous variant.
Genome position (GRCh38, 1-based): chr18:79,704,853, C>T. VCF-style: chr18-79704853-C-T. GRCh37 (hg19) VCF-style: chr18-77464853-C-T.
Other names: p.Ile236=; c.351C>T, p.Ile117= (NM_001202504.1); c.708C>T, p.Ile236= (NM_001318511.2, NM_048368.4).
Identifiers: ClinVar variation 788006 (VCV000788006.19), dbSNP rs139050858, ClinGen allele CA9010067.

ClinVar aggregate classification (germline): Benign/Likely benign. Review status: criteria provided, multiple submitters, no conflicts (2 of 4 stars). 5 submissions from 5 submitters: Benign (2); Likely benign (3). Last evaluated 2026-05-01.

Allele frequency attached by ClinVar (database versions not stated): gnomAD exomes 0.00056 and 0.00130; ExAC 0.00137; gnomAD 0.00434 and 0.00468; TOPMed 0.00491; 1000 Genomes Project 0.00519; 1000 Genomes Project 30x 0.00609; ESP Exome Variant Server 0.00477.
gnomAD v4.1: 1,525 of 1,613,996 alleles (0.094%); highest among the groups gnomAD compares: African/African-American, 1.5%; 8 homozygotes.

Submissions (5):

CeGaT Center for Human Genetics Tuebingen
Classification: Likely benign. Last evaluated: 2026-05-01. Review status: criteria provided, single submitter. Criteria: CeGaT Center For Human Genetics Tuebingen Variant Classification Criteria Version 2. Collection method: clinical testing. Allele origin: germline. Affected: yes. Observed: 3 variant alleles.
Comment: CTDP1: BP4, BP7, BS1

Labcorp Genetics (formerly Invitae), Labcorp
Classification: Benign. Last evaluated: 2026-02-01. Review status: criteria provided, single submitter. Criteria: Invitae Variant Classification Sherloc (09022015). Collection method: clinical testing. Allele origin: germline.

Blueprint Genetics
Classification: Likely benign. Last evaluated: 2024-11-08. Review status: criteria provided, single submitter. Criteria: ACMG Guidelines, 2015. Collection method: clinical testing. Allele origin: germline.

Mayo Clinic Laboratories, Mayo Clinic
Classification: Likely benign. Last evaluated: 2024-10-14. Review status: criteria provided, single submitter. Criteria: ACMG Guidelines, 2015. Collection method: clinical testing. Allele origin: germline. Observed: 3 variant alleles.
Comment: BS2, BP4, BP7

Breakthrough Genomics
Classification: Benign. Review status: criteria provided, single submitter. Criteria: ACMG Guidelines, 2015. Collection method: not provided. Allele origin: germline. Inheritance: Autosomal recessive inheritance. Affected: yes.